The following is an entry in ClinVar:

ClinVar aggregate classification (germline): Conflicting classifications of pathogenicity. Review status: criteria provided, conflicting classifications (1 of 4 stars). 2 submissions from 2 submitters: Uncertain significance (1); Likely benign (1). Last evaluated 2025-10-09.

Conditions:
Hereditary cancer-predisposing syndrome. Also called: Neoplastic Syndromes, Hereditary; Tumor predisposition; Hereditary Cancer Syndrome; Hereditary neoplastic syndrome. Identifiers: Orphanet 140162, MedGen C0027672, MeSH D009386, MONDO:0015356.

Submissions (2):

Ambry Genetics
Classification: Likely benign for Hereditary cancer-predisposing syndrome. Last evaluated: 2025-10-09. Review status: criteria provided, single submitter. Criteria: Ambry Variant Classification Scheme 2023. Collection method: clinical testing. Allele origin: germline.

Quest Diagnostics Nichols Institute San Juan Capistrano
Classification: Uncertain significance. Last evaluated: 2025-07-04. Review status: criteria provided, single submitter. Criteria: Quest Diagnostics criteria. Collection method: clinical testing. Allele origin: unknown.
Comment: The RAD51C c.737T>G (p.Phe246Cys) variant has not been reported in individuals with RAD51C-related conditions in the published literature. It also has not been reported in large, multi-ethnic general populations (Genome Aggregation Database). Analysis of this variant using bioinformatics tools for the prediction of the effect of amino acid changes on protein structure and function yielded conflicting predictions that this variant is benign or damaging. Based on the available information, we are unable to determine the clinical significance of this variant.

NM_058216.3(RAD51C):c.737T>G (p.Phe246Cys)

Gene: RAD51C (RAD51 paralog C; plus strand). Cytogenetic location: 17q22.
Variant type: single nucleotide variant.
Coding change: c.737T>G on transcript NM_058216.3 (MANE Select); coding-DNA position 737, T replaced by G.
Protein change: p.Phe246Cys; replaces phenylalanine 246 with cysteine.
Molecular consequence: missense variant. On other transcripts: non-coding transcript variant (1).
Genome position (GRCh38, 1-based): chr17:58,709,890, T>G. VCF-style: chr17-58709890-T-G. GRCh37 (hg19) VCF-style: chr17-56787251-T-G.
Other names: c.*165T>G (NM_058217.1); c.737T>G (NM_058216.2); short protein forms F246C.
Identifiers: ClinVar variation 1758612 (VCV001758612.4), dbSNP rs2509312999, ClinGen allele CA400353434.